The following is an entry in ClinVar:

ClinVar aggregate classification (germline): Pathogenic (0 of 4 stars; one submission).

Conditions:
Pseudohypoaldosteronism type 2A (PHA2A). Also called: GORDON HYPERKALEMIA-HYPERTENSION SYNDROME; HYPERTENSIVE HYPERKALEMIA, FAMILIAL. Identifiers: Orphanet 757, Orphanet 88938, MedGen C1840389, MONDO:0007772, OMIM 145260.

Allele frequency attached by ClinVar (database versions not stated): gnomAD exomes below 0.00001.
gnomAD v4.1: 1 of 1,579,984 alleles (0.000063%); highest among the groups gnomAD compares: Non-Finnish European, 0.000086%; no homozygotes.

Submission:

Richard Lifton Laboratory, Yale University School of Medicine
Classification: Pathogenic for Pseudohypoaldosteronism, type 2. Review status: no assertion criteria provided. Collection method: not provided. Allele origin: germline.
Comment: dominant;observed de novo;intron 9 splice donor
ClinVar note: Converted during submission from pathogenic to Pathogenic.

NM_003590.5(CUL3):c.1376A>G (p.Lys459Arg)

Gene: CUL3 (cullin 3; minus strand). Cytogenetic location: 2q36.2.
Variant type: single nucleotide variant.
Coding change: c.1376A>G on transcript NM_003590.5 (MANE Select); coding-DNA position 1376, A replaced by G.
Protein change: p.Lys459Arg; replaces lysine 459 with arginine.
Molecular consequence: missense variant.
Genome position (GRCh38, 1-based): chr2:224,503,653, T>C on the plus strand (A>G on the coding strand, the complement: CUL3 is on the minus strand). VCF-style: chr2-224503653-T-C. GRCh37 (hg19) VCF-style: chr2-225368370-T-C.
Other names: INT9_a(-2)g; c.1178A>G, p.Lys393Arg (NM_001257197.2); c.1394A>G, p.Lys465Arg (NM_001257198.2); short protein forms K459R, K393R, K465R.
Identifiers: ClinVar variation 100522 (VCV000100522.3), dbSNP rs199469658, ClinGen allele CA269962.